The following is an entry in ClinVar:

NM_018699.4(PRDM5):c.744-3_748del

Gene: PRDM5 (PR/SET domain 5; minus strand). Cytogenetic location: 4q27.
Variant type: Deletion.
Coding change: c.744-3_748del on transcript NM_018699.4 (MANE Select); 3 bases into the intron before coding-DNA position 744 through coding-DNA position 748, 8 bases deleted (TAGTTTTG; older notation c.744-3_748delTAGTTTTG).
Molecular consequence: splice acceptor variant.
Genome position (GRCh38, 1-based): chr4:120,816,570-120,816,577, CAAAACTA deleted on the plus strand (TAGTTTTG on the coding strand, the reverse complement: PRDM5 is on the minus strand); deleting any 8 consecutive bases within chr4:120,816,570-120,816,580 gives the same sequence; the c. name uses the placement nearest the transcript's 3' end. VCF-style (leftmost placement, unchanged base first): chr4-120816569-TCAAAACTA-T. GRCh37 (hg19) VCF-style: chr4-121737724-TCAAAACTA-T.
Other names: c.651-3_655del (NM_001300824.2, NM_001379106.1, NM_001300823.2); c.744-3_748del (NM_001379104.1).
Identifiers: ClinVar variation 2772678 (VCV002772678.3), dbSNP rs2477943667, ClinGen allele CA2697546916.

ClinVar aggregate classification (germline): Likely pathogenic (1 of 4 stars; one submission).

Submission:

Labcorp Genetics (formerly Invitae), Labcorp
Classification: Likely pathogenic. Last evaluated: 2023-10-29. Review status: criteria provided, single submitter. Criteria: Invitae Variant Classification Sherloc (09022015). Collection method: clinical testing. Allele origin: germline.
Comment: This variant results in the deletion of part of exon 7 of the PRDM5 gene. It is expected to disrupt RNA splicing. Variants that disrupt the donor or acceptor splice site typically lead to a loss of protein function (PMID: 16199547), and loss-of-function variants in PRDM5 are known to be pathogenic (PMID: 21664999, 26395458). This variant is not present in population databases (gnomAD no frequency). This variant has not been reported in the literature in individuals affected with PRDM5-related conditions. In summary, the currently available evidence indicates that the variant is pathogenic, but additional data are needed to prove that conclusively. Therefore, this variant has been classified as Likely Pathogenic.

Literature cited by the submitters: PubMed 16199547; PubMed 21664999; PubMed 26395458.